The following is an entry in ClinVar:

ClinVar aggregate classification (germline): Uncertain significance (1 of 4 stars; one submission).

Submission:

Women's Health and Genetics/Laboratory Corporation of America, LabCorp
Classification: Uncertain significance. Last evaluated: 2022-06-07. Review status: criteria provided, single submitter. Criteria: LabCorp Variant Classification Summary - May 2015. Collection method: clinical testing. Allele origin: germline.
Comment: Variant summary: The variant identified by MLPA or other technology involves the duplication of exons 1-2 in the DMD gene. A presumed nomenclature of c.(?_-245)_(93+1_94-1)dup has been designated for the purposes of this classification. It has been assumed that this is a tandem duplication in direct orientation (Richardson_GIM_2018, Newman_AJHG_2015). Since the exact breakpoints of this duplication are not known, it is not possible to predict if it causes an in-frame or out-of-frame product. A variant involving the duplication of exons 1-2 together with a large DNA segment (~ 500 kb) upstream of the gene was found at a frequency of 0.00025 in 16119 control chromosomes, including 4 hemizygotes (gnomAD database, Structural Variants dataset). On the other hand, variants including the duplication of exons 1-2 have been also reported in the literature in at least 5 male individuals affected with Dystrophinopathies (Annexstad_2019, Kohli_2020, Neri_2020, Nallamilli_2021), and in an infant who had elevated creatine kinase (CK) levels (Xiao_2021). These data indicate that duplication variants including exons 1-2 could also be associated with disease. To our knowledge, no experimental evidence demonstrating an impact on protein function has been reported. One clinical diagnostic laboratory has submitted clinical-significance assessments for this variant to ClinVar after 2014 without evidence for independent evaluation, and classified the variant as uncertain significance. In conclusion, while it may be assumed that duplication variants including a large DNA segment upstream of the gene (i.e. containing essential promoter- and regulatory elements) might result in regular transcription initiation leading to in an intact protein product, shorter tandem duplication variants involving the first 2 exons, could result in a frameshift or in-frame duplication change causing disease. Since it is not possible to distinguish between these two outcomes in the context of this evaluation, the variant was classified as VUS-possibly pathogenic.

Literature cited by the submitters: PubMed 31381525; PubMed 32358784; PubMed 33644936; PubMed 32194622; PubMed 34268379.

NC_000023.10:g.(32867938_33038255)_(33229674_?)dup

Gene: DMD (dystrophin; minus strand). Cytogenetic location: Xp21.1.
Variant type: Duplication.
Identifiers: ClinVar variation 1065141 (VCV001065141.2).